The following is an entry in ClinVar:

ClinVar aggregate classification (germline): Uncertain significance (1 of 4 stars; one submission).

Conditions:
Dyskeratosis congenita. Identifiers: Orphanet 1775, MedGen C0265965, MONDO:0015780.

Submission:

Ambry Genetics
Classification: Uncertain significance for Dyskeratosis congenita. Last evaluated: 2024-02-02. Review status: criteria provided, single submitter. Criteria: Ambry Variant Classification Scheme 2023. Collection method: clinical testing. Allele origin: germline.
Comment: The p.S795N variant (also known as c.2384G>A), located in coding exon 8 of the TERT gene, results from a G to A substitution at nucleotide position 2384. The serine at codon 795 is replaced by asparagine, an amino acid with highly similar properties. This amino acid position is conserved. In addition, the in silico prediction for this alteration is inconclusive. Based on the available evidence, the clinical significance of this alteration remains unclear.

NM_198253.3(TERT):c.2384G>A (p.Ser795Asn)

Gene: TERT (telomerase reverse transcriptase; minus strand). Cytogenetic location: 5p15.33.
Variant type: single nucleotide variant.
Coding change: c.2384G>A on transcript NM_198253.3 (MANE Select); coding-DNA position 2384, G replaced by A.
Protein change: p.Ser795Asn; replaces serine 795 with asparagine.
Molecular consequence: missense variant.
Genome position (GRCh38, 1-based): chr5:1,271,203, C>T on the plus strand (G>A on the coding strand, the complement: TERT is on the minus strand). VCF-style: chr5-1271203-C-T. GRCh37 (hg19) VCF-style: chr5-1271318-C-T.
Other names: c.2384G>A, p.Ser795Asn (NM_001193376.3, NM_003219.1); short protein forms S795N.
Identifiers: ClinVar variation 3238556 (VCV003238556.1), dbSNP rs2478201103.